The following is an entry in ClinVar:

ClinVar aggregate classification (germline): Conflicting classifications of pathogenicity. Review status: criteria provided, conflicting classifications (1 of 4 stars). 4 submissions from 4 submitters: Uncertain significance (3); Likely benign (1). Last evaluated 2026-01-20.

Conditions:
Inborn genetic diseases. Identifiers: MedGen C0950123, MeSH D030342.
Megaloblastic anemia, thiamine-responsive, with diabetes mellitus and sensorineural deafness (TRMA). Also called: THIAMINE METABOLISM DYSFUNCTION SYNDROME 1 (MEGALOBLASTIC ANEMIA, DIABETES MELLITUS, AND DEAFNESS TYPE); ROGERS SYNDROME; THIAMINE-RESPONSIVE ANEMIA SYNDROME; THIAMINE-RESPONSIVE MYELODYSPLASIA; Thiamine-Responsive Megaloblastic Anemia Syndrome. Identifiers: Orphanet 49827, MedGen C0342287, MONDO:0009575, OMIM 249270.

Allele frequency attached by ClinVar (database versions not stated): ExAC 0.00008; gnomAD exomes 0.00008 and 0.00011; TOPMed 0.00010; gnomAD 0.00013 and 0.00014.

Submissions (4):

Labcorp Genetics (formerly Invitae), Labcorp
Classification: Likely benign. Last evaluated: 2026-01-20. Review status: criteria provided, single submitter. Criteria: Invitae Variant Classification Sherloc (09022015). Collection method: clinical testing. Allele origin: germline.

Ambry Genetics
Classification: Uncertain significance for Inborn genetic diseases. Last evaluated: 2024-12-24. Review status: criteria provided, single submitter. Criteria: Ambry Variant Classification Scheme 2023. Collection method: clinical testing. Allele origin: germline.

ARUP Laboratories, Molecular Genetics and Genomics, ARUP Laboratories
Classification: Uncertain significance for Megaloblastic anemia, thiamine-responsive, with diabetes mellitus and sensorineural deafness. Last evaluated: 2024-03-01. Review status: criteria provided, single submitter. Criteria: ARUP Molecular Germline Variant Investigation Process 2024. Collection method: clinical testing. Allele origin: germline.
Comment: The SLC19A2 c.688A>T p.Ile230Phe variant (rs770374931; ClinVar Variation ID: 631575) is reported in the literature in a single individuals affected with thiamine-responsive megaloblastic anemia (Bergmann 2009). This variant is found in the general population with an overall allele frequency of 0.01% (35/282,858 alleles) in the Genome Aggregation Database (v2.1.1). Computational analyses are uncertain whether this variant is neutral or deleterious (REVEL: 0.597). Due to limited information, the clinical significance of this variant is uncertain at this time. References: Bergmann AK et al. Thiamine-responsive megaloblastic anemia: identification of novel compound heterozygotes and mutation update. J Pediatr. 2009 Dec;155(6):888-892.e1. PMID: 19643445

GeneDx
Classification: Uncertain significance. Last evaluated: 2023-09-07. Review status: criteria provided, single submitter. Criteria: GeneDx Variant Classification Process June 2021. Collection method: clinical testing. Allele origin: germline. Affected: yes.
Comment: In silico analysis supports that this missense variant does not alter protein structure/function; This variant is associated with the following publications: (PMID: 22369132, 28371426, 35686496, 19643445)

Literature cited by the submitters: PubMed 19643445 (cited by Ambry Genetics).

NM_006996.3(SLC19A2):c.688A>T (p.Ile230Phe)

Gene: SLC19A2 (solute carrier family 19 member 2; minus strand). Cytogenetic location: 1q24.2.
Variant type: single nucleotide variant.
Coding change: c.688A>T on transcript NM_006996.3 (MANE Select); coding-DNA position 688, A replaced by T.
Protein change: p.Ile230Phe; replaces isoleucine 230 with phenylalanine.
Molecular consequence: missense variant. On other transcripts: intron variant (1).
Genome position (GRCh38, 1-based): chr1:169,477,274, T>A on the plus strand (A>T on the coding strand, the complement: SLC19A2 is on the minus strand). VCF-style: chr1-169477274-T-A. GRCh37 (hg19) VCF-style: chr1-169446512-T-A.
Other names: c.205-7088A>T (NM_001319667.1); short protein forms I230F.
Identifiers: ClinVar variation 631575 (VCV000631575.12), dbSNP rs770374931, ClinGen allele CA1233024.